The following is an entry in ClinVar:

NM_004214.5(FIBP):c.219G>T (p.Pro73=)

Gene: FIBP (FGF1 intracellular binding protein; minus strand). Cytogenetic location: 11q13.1.
Variant type: single nucleotide variant.
Coding change: c.219G>T on transcript NM_004214.5 (MANE Select); coding-DNA position 219, G replaced by T.
Protein change: p.Pro73=; no amino-acid change (proline 73 retained).
Molecular consequence: synonymous variant.
Genome position (GRCh38, 1-based): chr11:65,887,999, C>A on the plus strand (G>T on the coding strand, the complement: FIBP is on the minus strand). VCF-style: chr11-65887999-C-A. GRCh37 (hg19) VCF-style: chr11-65655470-C-A.
Other names: c.219G>T, p.Pro73= (NM_198897.2).
Identifiers: ClinVar variation 712102 (VCV000712102.42), dbSNP rs11559153, ClinGen allele CA6111669.

ClinVar aggregate classification (germline): Benign/Likely benign. Review status: criteria provided, multiple submitters, no conflicts (2 of 4 stars). 3 submissions from 3 submitters: Benign (1); Likely benign (2). Last evaluated 2026-06-01.

Allele frequency attached by ClinVar (database versions not stated): 1000 Genomes Project 0.00100; 1000 Genomes Project 30x 0.00219; gnomAD 0.00268; TOPMed 0.00289; ExAC 0.00334; ESP Exome Variant Server 0.00377.

Submissions (3):

CeGaT Center for Human Genetics Tuebingen
Classification: Likely benign. Last evaluated: 2026-06-01. Review status: criteria provided, single submitter. Criteria: CeGaT Center For Human Genetics Tuebingen Variant Classification Criteria Version 2. Collection method: clinical testing. Allele origin: germline. Affected: yes. Observed: 15 variant alleles.
Comment: FIBP: BP4, BP7, BS2

Labcorp Genetics (formerly Invitae), Labcorp
Classification: Benign. Last evaluated: 2019-12-31. Review status: criteria provided, single submitter. Criteria: Invitae Variant Classification Sherloc (09022015). Collection method: clinical testing. Allele origin: germline.

Breakthrough Genomics
Classification: Likely benign. Review status: criteria provided, single submitter. Criteria: ACMG Guidelines, 2015. Collection method: not provided. Allele origin: germline. Inheritance: Autosomal recessive inheritance. Affected: yes.